The following is an entry in ClinVar:

ClinVar aggregate classification (germline): Conflicting classifications of pathogenicity. Review status: criteria provided, conflicting classifications (1 of 4 stars). 3 submissions from 3 submitters: Uncertain significance (2); Likely benign (1). Last evaluated 2025-10-01.

Allele frequency attached by ClinVar (database versions not stated): ExAC 0.00003; gnomAD exomes 0.00003; gnomAD 0.00008 and 0.00009; TOPMed 0.00013.

Submissions (3):

Labcorp Genetics (formerly Invitae), Labcorp
Classification: Uncertain significance. Last evaluated: 2025-10-01. Review status: criteria provided, single submitter. Criteria: Invitae Variant Classification Sherloc (09022015). Collection method: clinical testing. Allele origin: germline.
Comment: This sequence change replaces serine, which is neutral and polar, with glycine, which is neutral and non-polar, at codon 15 of the RBP4 protein (p.Ser15Gly). This variant is present in population databases (rs758073926, gnomAD 0.04%). This variant has not been reported in the literature in individuals affected with RBP4-related conditions. ClinVar contains an entry for this variant (Variation ID: 287290). An algorithm developed to predict the effect of missense changes on protein structure and function outputs the following: PolyPhen-2: "Benign". The glycine amino acid residue is found in multiple mammalian species, which suggests that this missense change does not adversely affect protein function. In summary, the available evidence is currently insufficient to determine the role of this variant in disease. Therefore, it has been classified as a Variant of Uncertain Significance.

Blueprint Genetics
Classification: Likely benign. Last evaluated: 2022-03-29. Review status: criteria provided, single submitter. Criteria: ACMG Guidelines, 2015. Collection method: clinical testing. Allele origin: germline.

Eurofins Ntd Llc (ga)
Classification: Uncertain significance. Last evaluated: 2016-04-14. Review status: criteria provided, single submitter. Criteria: EGL Classification Definitions 2015. Collection method: clinical testing. Allele origin: germline. Observed: 1 variant allele, 1 heterozygote.

NM_006744.4(RBP4):c.43A>G (p.Ser15Gly)

Gene: RBP4 (retinol binding protein 4; minus strand). Cytogenetic location: 10q23.33.
Variant type: single nucleotide variant.
Coding change: c.43A>G on transcript NM_006744.4 (MANE Select); coding-DNA position 43, A replaced by G.
Protein change: p.Ser15Gly; replaces serine 15 with glycine.
Molecular consequence: missense variant. On other transcripts: intron variant (1).
Genome position (GRCh38, 1-based): chr10:93,600,986, T>C on the plus strand (A>G on the coding strand, the complement: RBP4 is on the minus strand). VCF-style: chr10-93600986-T-C. GRCh37 (hg19) VCF-style: chr10-95360743-T-C.
Other names: c.43A>G, p.Ser15Gly (NM_001323517.1); c.52-15A>G (NM_001323518.2); short protein forms S15G.
Identifiers: ClinVar variation 287290 (VCV000287290.13), dbSNP rs758073926, ClinGen allele CA5609690.